The following is an entry in ClinVar:

NM_000368.5(TSC1):c.2776C>T (p.Gln926Ter)

Gene: TSC1 (TSC complex subunit 1; minus strand). Cytogenetic location: 9q34.13.
Variant type: single nucleotide variant.
Coding change: c.2776C>T on transcript NM_000368.5 (MANE Select); coding-DNA position 2776, C replaced by T.
Protein change: p.Gln926Ter; replaces glutamine 926 with a stop codon.
Molecular consequence: nonsense.
Genome position (GRCh38, 1-based): chr9:132,897,460, G>A on the plus strand (C>T on the coding strand, the complement: TSC1 is on the minus strand). VCF-style: chr9-132897460-G-A. GRCh37 (hg19) VCF-style: chr9-135772847-G-A.
Other names: c.2773C>T, p.Gln925Ter (NM_001162426.2); c.2623C>T, p.Gln875Ter (NM_001162427.2); c.2413C>T, p.Gln805Ter (NM_001362177.2); short protein forms Q926*, Q925*, Q875*, Q805*.
Identifiers: ClinVar variation 64842 (VCV000064842.14), dbSNP rs397514879, ClinGen allele CA006974.
Genomic context (GRCh38, chr9:132,897,460, plus strand): 5'-AAGCCTTTCCTGATGAAAGTTACCTTGCCTGGAGTTTGACATCCTCTAGATATTTCTTCT[G>A]TTCCAAAAGAAGGTGGTCTTTCTTGGCCAGGTGAGATTCCAGTTCCAAAATCCGTTTTTG-3'

ClinVar aggregate classification (germline): Pathogenic. Review status: criteria provided, multiple submitters, no conflicts (2 of 4 stars). 4 submissions from 4 submitters: Pathogenic (3). 1 of the submissions does not count toward it. Last evaluated 2023-04-11.

Conditions:
Tuberous sclerosis 1 (TSC1). Identifiers: Orphanet 805, MedGen C1854465, MONDO:0008612, OMIM 191100.
Isolated focal cortical dysplasia type II (FCORD2). Also called: CORTICAL DYSPLASIA OF TAYLOR; Focal cortical dysplasia type II. Identifiers: Orphanet 268994, MedGen C1846385, MONDO:0011818, OMIM 607341, HP:0032051.
Lymphangiomyomatosis (LAM). Also called: Lymphangioleiomyomatosis; Lymphangioleiomyomatosis, somatic. Identifiers: Orphanet 538, MedGen C0751674, MONDO:0011705, OMIM 606690.
Tuberous sclerosis syndrome (TSC). Also called: Tuberous Sclerosis Complex; Tuberous sclerosis. Identifiers: Orphanet 805, MedGen C0041341, MONDO:0001734.

Submissions (4):

Genetic Services Laboratory, University of Chicago
Classification: Pathogenic. Last evaluated: 2023-04-11. Review status: criteria provided, single submitter. Criteria: ACMG Guidelines, 2015. Collection method: clinical testing. Allele origin: germline. Affected: yes.
Comment: DNA sequence analysis of the TSC1 gene demonstrated a sequence change, c.2776C>T, which results in the creation of a premature stop codon at amino acid position 926, p.Gln926*. This sequence change is predicted to result in an abnormal transcript, which may be degraded, or may lead to the production of a truncated TSC1 protein with potentially abnormal function. This sequence change has not been described in the population databases such as ExAC and gnomAD. This sequence change has previously been described in two family members with bilateral renal cell carcinoma (PMID: 29960980). Based on these collective evidences, this sequence change is classified as pathogenic.

Fulgent Genetics
Classification: Pathogenic for Tuberous sclerosis 1; Lymphangiomyomatosis; Isolated focal cortical dysplasia type II. Last evaluated: 2022-02-26. Review status: criteria provided, single submitter. Criteria: ACMG Guidelines, 2015. Collection method: clinical testing. Allele origin: unknown.

Labcorp Genetics (formerly Invitae), Labcorp
Classification: Pathogenic for Tuberous sclerosis 1. Last evaluated: 2022-02-23. Review status: criteria provided, single submitter. Criteria: Invitae Variant Classification Sherloc (09022015). Collection method: clinical testing. Allele origin: germline.
Comment: This sequence change creates a premature translational stop signal (p.Gln926*) in the TSC1 gene. It is expected to result in an absent or disrupted protein product. Loss-of-function variants in TSC1 are known to be pathogenic (PMID: 10227394, 17304050). This variant is not present in population databases (gnomAD no frequency). For these reasons, this variant has been classified as Pathogenic. ClinVar contains an entry for this variant (Variation ID: 64842). This premature translational stop signal has been observed in individual(s) with renal cell carcinoma (PMID: 29960980).

Tuberous sclerosis database (TSC1)
No classification provided. Condition: TSC. Review status: no classification provided. Criteria: Tuberous Sclerosis Database Assertion Criteria 2015. Collection method: curation. Allele origin: germline. Affected: yes. Not counted in ClinVar's aggregate classification.

Literature cited by the submitters: PubMed 10227394 (cited by Labcorp Genetics (formerly Invitae), Labcorp); PubMed 17304050 (cited by Labcorp Genetics (formerly Invitae), Labcorp); PubMed 29960980 (cited by Labcorp Genetics (formerly Invitae), Labcorp).